The following is an entry in ClinVar:

ClinVar aggregate classification (germline): Uncertain significance (1 of 4 stars; one submission).

Submission:

Labcorp Genetics (formerly Invitae), Labcorp
Classification: Uncertain significance. Last evaluated: 2023-07-07. Review status: criteria provided, single submitter. Criteria: Invitae Variant Classification Sherloc (09022015). Collection method: clinical testing. Allele origin: germline.
Comment: This sequence change replaces methionine, which is neutral and non-polar, with leucine, which is neutral and non-polar, at codon 505 of the EMC1 protein (p.Met505Leu). In summary, the available evidence is currently insufficient to determine the role of this variant in disease. Therefore, it has been classified as a Variant of Uncertain Significance. Advanced modeling of protein sequence and biophysical properties (such as structural, functional, and spatial information, amino acid conservation, physicochemical variation, residue mobility, and thermodynamic stability) performed at Invitae indicates that this missense variant is not expected to disrupt EMC1 protein function. This variant has not been reported in the literature in individuals affected with EMC1-related conditions. This variant is not present in population databases (gnomAD no frequency).

NM_015047.3(EMC1):c.1513A>C (p.Met505Leu)

Genes: EMC1 (ER membrane protein complex subunit 1; minus strand), EMC1-AS1 (EMC1 antisense RNA 1; plus strand). Cytogenetic location: 1p36.13.
Variant type: single nucleotide variant.
Coding change: c.1513A>C on transcript NM_015047.3 (MANE Select); coding-DNA position 1513, A replaced by C.
Protein change: p.Met505Leu; replaces methionine 505 with leucine.
Molecular consequence: missense variant.
Genome position (GRCh38, 1-based): chr1:19,233,055, T>G on the plus strand (A>C on the coding strand, the complement: EMC1 is on the minus strand). VCF-style: chr1-19233055-T-G. GRCh37 (hg19) VCF-style: chr1-19559549-T-G.
Other names: c.1447A>C, p.Met483Leu (NM_001271429.2); c.1522A>C, p.Met508Leu (NM_001375820.1); c.1519A>C, p.Met507Leu (NM_001375821.1); c.1510A>C, p.Met504Leu (NM_001271427.2, NM_001271428.2); short protein forms M508L, M504L, M507L, M505L, M483L.
Identifiers: ClinVar variation 2760174 (VCV002760174.3), dbSNP rs2536733427, ClinGen allele CA338762913.